The following is an entry in ClinVar:

ClinVar aggregate classification (germline): Likely pathogenic (1 of 4 stars; one submission).

Conditions:
STAT3 gain of function. Identifiers: MedGen C4288261.
Hyper-IgE recurrent infection syndrome 1, autosomal dominant. Also called: JOB SYNDROME; STAT3 Hyper IgE Syndrome; Job's Syndrome; Hyper-IgE recurrent infection syndrome 1; HYPER-IgE SYNDROME 1, AUTOSOMAL DOMINANT, WITH RECURRENT INFECTIONS. Identifiers: Orphanet 2314, MedGen C2936739, MONDO:0007818, OMIM 147060.

Submission:

Labcorp Genetics (formerly Invitae), Labcorp
Classification: Likely pathogenic for STAT3 gain of function; Hyper-IgE recurrent infection syndrome 1, autosomal dominant. Last evaluated: 2020-09-08. Review status: criteria provided, single submitter. Criteria: Invitae Variant Classification Sherloc (09022015). Collection method: clinical testing. Allele origin: germline.
Comment: This sequence change replaces lysine with glutamic acid at codon 642 of the STAT3 protein (p.Lys642Glu). The lysine residue is highly conserved and there is a small physicochemical difference between lysine and glutamic acid. This variant is not present in population databases (ExAC no frequency). This variant has been observed in individual(s) with hyper IgE syndrome (PMID: 18591412, Invitae). Advanced modeling of protein sequence and biophysical properties (such as structural, functional, and spatial information, amino acid conservation, physicochemical variation, residue mobility, and thermodynamic stability) performed at Invitae indicates that this missense variant is expected to disrupt STAT3 protein function. Algorithms developed to predict the effect of sequence changes on RNA splicing suggest that this variant may create or strengthen a splice site, but this prediction has not been confirmed by published transcriptional studies. In summary, the currently available evidence indicates that the variant is pathogenic, but additional data are needed to prove that conclusively. Therefore, this variant has been classified as Likely Pathogenic.

Literature cited by the submitters: PubMed 18591412.

NM_139276.3(STAT3):c.1924A>G (p.Lys642Glu)

Gene: STAT3 (signal transducer and activator of transcription 3; minus strand). Cytogenetic location: 17q21.2.
Variant type: single nucleotide variant.
Coding change: c.1924A>G on transcript NM_139276.3 (MANE Select); coding-DNA position 1924, A replaced by G.
Protein change: p.Lys642Glu; replaces lysine 642 with glutamic acid.
Molecular consequence: missense variant.
Genome position (GRCh38, 1-based): chr17:42,322,459, T>C on the plus strand (A>G on the coding strand, the complement: STAT3 is on the minus strand). VCF-style: chr17-42322459-T-C. GRCh37 (hg19) VCF-style: chr17-40474477-T-C.
Other names: c.1924A>G, p.Lys642Glu (NM_001369512.1, NM_001369513.1, NM_001369514.1 and 9 more transcripts); c.1840A>G, p.Lys614Glu (NM_001384984.1); c.1846A>G, p.Lys616Glu (NM_001384985.1); c.1939A>G, p.Lys647Glu (NM_001384986.1, NM_001384990.1); c.1903A>G, p.Lys635Glu (NM_001384987.1); c.1828A>G, p.Lys610Glu (NM_001384989.1); c.1897A>G, p.Lys633Glu (NM_001384991.1); c.1864A>G, p.Lys622Glu (NM_001384992.1); short protein forms K610E, K614E, K616E, K622E, K633E, K635E, K642E, K647E.
Identifiers: ClinVar variation 1067430 (VCV001067430.9), dbSNP rs2144683205, ClinGen allele CA399582422.